The following is an entry in ClinVar:

ClinVar aggregate classification (germline): Uncertain significance. Review status: criteria provided, multiple submitters, no conflicts (2 of 4 stars). 2 submissions from 2 submitters: Uncertain significance (2). Last evaluated 2022-09-29.

Allele frequency attached by ClinVar (database versions not stated): TOPMed below 0.00001; gnomAD 0.00001; gnomAD exomes 0.00001.
gnomAD v4.1: 4 of 1,613,822 alleles (0.00025%); highest among the groups gnomAD compares: East Asian, 0.0022%; no homozygotes.

Submissions (2):

Labcorp Genetics (formerly Invitae), Labcorp
Classification: Uncertain significance. Last evaluated: 2022-09-29. Review status: criteria provided, single submitter. Criteria: Invitae Variant Classification Sherloc (09022015). Collection method: clinical testing. Allele origin: germline.
Comment: In summary, the available evidence is currently insufficient to determine the role of this variant in disease. Therefore, it has been classified as a Variant of Uncertain Significance. Algorithms developed to predict the effect of sequence changes on RNA splicing suggest that this variant may create or strengthen a splice site. Advanced modeling of protein sequence and biophysical properties (such as structural, functional, and spatial information, amino acid conservation, physicochemical variation, residue mobility, and thermodynamic stability) performed at Invitae indicates that this missense variant is not expected to disrupt NOTCH3 protein function. ClinVar contains an entry for this variant (Variation ID: 1298749). This variant has not been reported in the literature in individuals affected with NOTCH3-related conditions. This variant is not present in population databases (gnomAD no frequency). This sequence change replaces asparagine, which is neutral and polar, with serine, which is neutral and polar, at codon 1115 of the NOTCH3 protein (p.Asn1115Ser).

CeGaT Center for Human Genetics Tuebingen
Classification: Uncertain significance. Last evaluated: 2021-08-01. Review status: criteria provided, single submitter. Criteria: CeGaT Center For Human Genetics Tuebingen Variant Classification Criteria Version 2. Collection method: clinical testing. Allele origin: germline. Affected: yes. Observed: 1 variant allele.

NM_000435.3(NOTCH3):c.3344A>G (p.Asn1115Ser)

Gene: NOTCH3 (notch receptor 3; minus strand). Cytogenetic location: 19p13.12.
Variant type: single nucleotide variant.
Coding change: c.3344A>G on transcript NM_000435.3 (MANE Select); coding-DNA position 3344, A replaced by G.
Protein change: p.Asn1115Ser; replaces asparagine 1115 with serine.
Molecular consequence: missense variant.
Genome position (GRCh38, 1-based): chr19:15,179,480, T>C on the plus strand (A>G on the coding strand, the complement: NOTCH3 is on the minus strand). VCF-style: chr19-15179480-T-C. GRCh37 (hg19) VCF-style: chr19-15290291-T-C.
Other names: short protein forms N1115S.
Identifiers: ClinVar variation 1298749 (VCV001298749.39), dbSNP rs1399228829, ClinGen allele CA404512512.